The following is an entry in ClinVar:

ClinVar aggregate classification (germline): Likely benign. Review status: criteria provided, multiple submitters, no conflicts (2 of 4 stars). 4 submissions from 4 submitters: Likely benign (4). Last evaluated 2025-10-01.

Conditions:
Familial thoracic aortic aneurysm and aortic dissection (TAAD). Also called: Thoracic aortic aneurysms and dissections. Identifiers: Orphanet 91387, MedGen C4707243, MONDO:0019625.
Marfan syndrome (MFS). Also called: FBN1-Related Marfan Syndrome; Marfan syndrome type 1; Marfan's syndrome; Marfan syndrome, classic; MARFAN SYNDROME, TYPE I. Identifiers: Orphanet 284963, Orphanet 558, MedGen C0024796, MONDO:0007947, OMIM 154700.

Allele frequency attached by ClinVar (database versions not stated): gnomAD exomes 0.00001; TOPMed below 0.00001.
gnomAD v4.1: 7 of 1,610,424 alleles (0.00043%); highest among the groups gnomAD compares: South Asian, 0.0033%; no homozygotes.

Submissions (4):

Labcorp Genetics (formerly Invitae), Labcorp
Classification: Likely benign for Marfan syndrome; Familial thoracic aortic aneurysm and aortic dissection. Last evaluated: 2025-10-01. Review status: criteria provided, single submitter. Criteria: Invitae Variant Classification Sherloc (09022015). Collection method: clinical testing. Allele origin: germline.

Ambry Genetics
Classification: Likely benign for Familial thoracic aortic aneurysm and aortic dissection. Last evaluated: 2025-08-06. Review status: criteria provided, single submitter. Criteria: Ambry Variant Classification Scheme 2023. Collection method: clinical testing. Allele origin: germline.

All of Us Research Program, National Institutes of Health
Classification: Likely benign for Marfan syndrome. Last evaluated: 2024-05-14. Review status: criteria provided, single submitter. Criteria: ACMG Guidelines, 2015. Collection method: clinical testing. Allele origin: germline. Inheritance: Autosomal dominant inheritance. Observed: 2 variant alleles, 2 heterozygotes.
Comment: This study involves interpretation of variants in research participants for the purpose of population health screening. Participant phenotype was not available at the time of variant classification. Additional details can be found in publication PMID: 35346344, PMCID: PMC8962531

Color Diagnostics, LLC DBA Color Health
Classification: Likely benign for Familial thoracic aortic aneurysm and aortic dissection. Last evaluated: 2018-10-16. Review status: criteria provided, single submitter. Criteria: ACMG Guidelines, 2015. Collection method: clinical testing. Allele origin: germline.

NM_000138.5(FBN1):c.4749C>T (p.Ser1583=)

Gene: FBN1 (fibrillin 1; minus strand). Cytogenetic location: 15q21.1.
Variant type: single nucleotide variant.
Coding change: c.4749C>T on transcript NM_000138.5 (MANE Select); coding-DNA position 4749, C replaced by T.
Protein change: p.Ser1583=; no amino-acid change (serine 1583 retained).
Molecular consequence: synonymous variant.
Genome position (GRCh38, 1-based): chr15:48,465,857, G>A on the plus strand (C>T on the coding strand, the complement: FBN1 is on the minus strand). VCF-style: chr15-48465857-G-A. GRCh37 (hg19) VCF-style: chr15-48758054-G-A.
Identifiers: ClinVar variation 629592 (VCV000629592.12), dbSNP rs1275608178, ClinGen allele CA490027064.